The following is an entry in ClinVar:

NM_001080517.3(SETD5):c.2003C>G (p.Ser668Ter)

Gene: SETD5 (SET domain containing 5; plus strand). Cytogenetic location: 3p25.3.
Variant type: single nucleotide variant.
Coding change: c.2003C>G on transcript NM_001080517.3 (MANE Select); coding-DNA position 2003, C replaced by G.
Protein change: p.Ser668Ter; replaces serine 668 with a stop codon.
Molecular consequence: nonsense.
Genome position (GRCh38, 1-based): chr3:9,447,906, C>G. VCF-style: chr3-9447906-C-G. GRCh37 (hg19) VCF-style: chr3-9489590-C-G.
Other names: c.2003C>G (NM_001080517.2, NM_001080517.1); c.1709C>G, p.Ser570Ter (NM_001292043.2, NM_001349451.2); short protein forms S570*, S668*.
Identifiers: ClinVar variation 1710028 (VCV001710028.12), dbSNP rs2125281306, ClinGen allele CA351699232.

ClinVar aggregate classification (germline): Pathogenic/Likely pathogenic. Review status: criteria provided, multiple submitters, no conflicts (2 of 4 stars). 6 submissions from 6 submitters: Pathogenic (5); Likely pathogenic (1). Last evaluated 2025-11-24.

Conditions:
Inborn genetic diseases. Identifiers: MedGen C0950123, MeSH D030342.
Intellectual disability-facial dysmorphism syndrome due to SETD5 haploinsufficiency (MRD23). Also called: Intellectual developmental disorder, autosomal dominant 23. Identifiers: Orphanet 404440, MedGen C3810406, MONDO:0014336, OMIM 615761.

Allele frequency attached by ClinVar (database versions not stated): gnomAD exomes below 0.00001.
gnomAD v4.1: 1 of 1,613,918 alleles (0.000062%); highest among the groups gnomAD compares: Non-Finnish European, 0.000085%; no homozygotes.

Submissions (6):

OLLIN Analises Genomicas, OLLIN
Classification: Pathogenic for Intellectual disability-facial dysmorphism syndrome due to SETD5 haploinsufficiency. Last evaluated: 2025-11-24. Review status: criteria provided, single submitter. Criteria: ACMG Guidelines 2015 PMID 25741868. Collection method: clinical testing. Allele origin: germline. Affected: yes. Observed: 1 variant allele.
Comment: The nonsense variant (chr3:9447906C>G), located in exon 15 (of 23), absent in gnomAD v4.1 non-UKB, is reported in ClinVar (VCV001710028.10) and in the scientific literature, and has also been identified de novo in individuals with intellectual developmental disorder (PMID: 33921431). This variant introduces an early stop codon, resulting in a truncated protein or mRNA degradation via nonsense-mediated decay (NMD). According to currently available evidence, this variant has been classified as pathogenic (PVS1, PS2_P, PS4_P, PM2_P).

Ambry Genetics
Classification: Pathogenic for Inborn genetic diseases. Last evaluated: 2023-07-17. Review status: criteria provided, single submitter. Criteria: Ambry Variant Classification Scheme 2023. Collection method: clinical testing. Allele origin: germline.
Comment: The c.2003C>G (p.S668*) alteration, located in exon 15 (coding exon 13) of the SETD5 gene, consists of a C to G substitution at nucleotide position 2003. This changes the amino acid from a serine (S) to a stop codon at amino acid position 668. This alteration is expected to result in loss of function by premature protein truncation or nonsense-mediated mRNA decay. This variant was not reported in population-based cohorts in the Genome Aggregation Database (gnomAD). This variant has been reported as de novo in an individual with features consistent with SETD5-related neurodevelopmental disorder (Arteche-L&oacute;pez, 2021). Based on the available evidence, this alteration is classified as pathogenic.

Labcorp Genetics (formerly Invitae), Labcorp
Classification: Pathogenic. Last evaluated: 2022-03-27. Review status: criteria provided, single submitter. Criteria: Invitae Variant Classification Sherloc (09022015). Collection method: clinical testing. Allele origin: germline.
Comment: This sequence change creates a premature translational stop signal (p.Ser668*) in the SETD5 gene. It is expected to result in an absent or disrupted protein product. Loss-of-function variants in SETD5 are known to be pathogenic (PMID: 24680889). For these reasons, this variant has been classified as Pathogenic. This variant has not been reported in the literature in individuals affected with SETD5-related conditions. This variant is not present in population databases (gnomAD no frequency).

MGZ Medical Genetics Center
Classification: Likely pathogenic for Intellectual disability-facial dysmorphism syndrome due to SETD5 haploinsufficiency. Last evaluated: 2021-07-15. Review status: criteria provided, single submitter. Criteria: ACMG Guidelines, 2015. Collection method: clinical testing. Allele origin: germline. Affected: yes. Observed: 2 variant alleles.
Comment: ACMG criteria applied: PVS1, PM2_SUP

Laboratoire de Génétique Moléculaire, CHU Bordeaux
Classification: Pathogenic for Intellectual disability-facial dysmorphism syndrome due to SETD5 haploinsufficiency. Last evaluated: 2019-10-07. Review status: criteria provided, single submitter. Criteria: ACMG Guidelines, 2015. Collection method: clinical testing. Allele origin: germline. Affected: yes.

Clinical Genetics Service, Universitary Hospital 12 de Octubre
Classification: Pathogenic for Intellectual disability-facial dysmorphism syndrome due to SETD5 haploinsufficiency. Review status: criteria provided, single submitter. Criteria: ACMG Guidelines, 2015. Collection method: clinical testing. Allele origin: germline. Affected: yes.

Literature cited by the submitters: PubMed 33921431 (cited by OLLIN Analises Genomicas, OLLIN and Ambry Genetics); PubMed 24680889 (cited by Labcorp Genetics (formerly Invitae), Labcorp).